The following is an entry in ClinVar:

ClinVar aggregate classification (germline): Likely benign (1 of 4 stars; one submission).

Submission:

CeGaT Center for Human Genetics Tuebingen
Classification: Likely benign. Last evaluated: 2025-09-01. Review status: criteria provided, single submitter. Criteria: CeGaT Center For Human Genetics Tuebingen Variant Classification Criteria Version 2. Collection method: clinical testing. Allele origin: germline. Affected: yes. Observed: 2 variant alleles.
Comment: MIF: BS2; MIF-AS1: BS2

NM_002415.2(MIF):c.-24G>A

Genes: MIF (macrophage migration inhibitory factor; plus strand), MIF-AS1 (MIF antisense RNA 1; minus strand). Cytogenetic location: 22q11.23.
Variant type: single nucleotide variant.
Coding change: c.-24G>A on transcript NM_002415.2 (MANE Select); 24 bases upstream of the start codon, G replaced by A.
Molecular consequence: 5 prime UTR variant. On other transcripts: non-coding transcript variant (1).
Genome position (GRCh38, 1-based): chr22:23,894,451, G>A. VCF-style: chr22-23894451-G-A. GRCh37 (hg19) VCF-style: chr22-24236638-G-A.
Identifiers: ClinVar variation 4083701 (VCV004083701.8).